The following continues an entry in ClinVar:

NM_002769.5(PRSS1):c.364C>T (p.Arg122Cys)

ClinVar aggregate classification (germline): Pathogenic. Pathogenic (8).

Submissions 11 to 12 of 12:

GeneReviews
No classification provided. Condition: Hereditary pancreatitis. Review status: no classification provided. Collection method: literature only. Allele origin: germline. Not counted in ClinVar's aggregate classification.

Joint Genome Diagnostic Labs from Nijmegen and Maastricht, Radboudumc and MUMC+
Classification: Likely pathogenic. Review status: no assertion criteria provided. Collection method: clinical testing. Allele origin: germline. Affected: yes. Study: VKGL Data-share Consensus. Not counted in ClinVar's aggregate classification.

Literature cited by the submitters: PubMed 11719509 (cited by 3 submitters); PubMed 11788572 (cited by 3 submitters); PubMed 19454815 (cited by Labcorp Genetics (formerly Invitae), Labcorp); PubMed 24458023 (cited by Labcorp Genetics (formerly Invitae), Labcorp); PubMed 22539344 (cited by Labcorp Genetics (formerly Invitae), Labcorp and Women's Health and Genetics/Laboratory Corporation of America, LabCorp); PubMed 8841182 (cited by Labcorp Genetics (formerly Invitae), Labcorp); PubMed 19453252 (cited by Labcorp Genetics (formerly Invitae), Labcorp); PubMed 17204147 (cited by Women's Health and Genetics/Laboratory Corporation of America, LabCorp); PubMed 16791840 (cited by Women's Health and Genetics/Laboratory Corporation of America, LabCorp and OMIM); PubMed 11734061 (cited by Women's Health and Genetics/Laboratory Corporation of America, LabCorp); PubMed 18272034 (cited by Women's Health and Genetics/Laboratory Corporation of America, LabCorp); PubMed 16954950 (cited by Women's Health and Genetics/Laboratory Corporation of America, LabCorp); PubMed 24002981 (cited by Women's Health and Genetics/Laboratory Corporation of America, LabCorp); PubMed 30420730 (cited by Women's Health and Genetics/Laboratory Corporation of America, LabCorp); NCBI Bookshelf NBK84399 (cited by GeneReviews); PubMed 22379635 (cited by GeneReviews).